The following is an entry in ClinVar:

ClinVar aggregate classification (germline): Uncertain significance (1 of 4 stars; one submission).

Conditions:
Inborn genetic diseases. Identifiers: MedGen C0950123, MeSH D030342.

gnomAD v4.1: 1 of 1,613,680 alleles (0.000062%); highest among the groups gnomAD compares: Non-Finnish European, 0.000085%; no homozygotes.

Submission:

Ambry Genetics
Classification: Uncertain significance for Inborn genetic diseases. Last evaluated: 2025-05-31. Review status: criteria provided, single submitter. Criteria: Ambry Variant Classification Scheme 2023. Collection method: clinical testing. Allele origin: germline.
Comment: The p.F222C variant (also known as c.665T>G), located in coding exon 2 of the WT1 gene, results from a T to G substitution at nucleotide position 665. The phenylalanine at codon 222 is replaced by cysteine, an amino acid with highly dissimilar properties. This amino acid position is conserved. In addition, this alteration is predicted to be deleterious by in silico analysis. Based on the available evidence, the clinical significance of this variant remains unclear.

NM_024426.6(WT1):c.680T>G (p.Phe227Cys)

Gene: WT1 (WT1 transcription factor; minus strand). Cytogenetic location: 11p13.
Variant type: single nucleotide variant.
Coding change: c.680T>G on transcript NM_024426.6 (MANE Select); coding-DNA position 680, T replaced by G.
Protein change: p.Phe227Cys; replaces phenylalanine 227 with cysteine.
Molecular consequence: missense variant. On other transcripts: 5 prime UTR variant (1), non-coding transcript variant (2), intron variant (2).
Genome position (GRCh38, 1-based): chr11:32,428,601, A>C on the plus strand (T>G on the coding strand, the complement: WT1 is on the minus strand). VCF-style: chr11-32428601-A-C. GRCh37 (hg19) VCF-style: chr11-32450147-A-C.
Other names: c.680T>G, p.Phe227Cys (NM_000378.6, NM_001407044.1, NM_001407045.1 and 4 more transcripts); c.29T>G, p.Phe10Cys (NM_001198551.2, NM_001198552.2); c.-83T>G (NM_001407051.1); c.461T>G, p.Phe154Cys (NM_001429031.1, NM_001429032.1, NM_001429033.1 and 1 more transcripts); c.662-543T>G (NM_001407050.1, NM_001407047.1); short protein forms F222C, F154C, F10C, F227C.
Identifiers: ClinVar variation 3982476 (VCV003982476.1).